The following is an entry in ClinVar:

ClinVar aggregate classification (germline): Benign/Likely benign. Review status: criteria provided, multiple submitters, no conflicts (2 of 4 stars). 5 submissions from 5 submitters: Benign (2); Likely benign (2). 1 of the submissions does not count toward it. Last evaluated 2025-11-05.

Conditions:
Inborn genetic diseases. Identifiers: MedGen C0950123, MeSH D030342.
TAF1-related disorder. Also called: TAF1-related condition.

Submissions (5):

Labcorp Genetics (formerly Invitae), Labcorp
Classification: Benign. Last evaluated: 2025-11-05. Review status: criteria provided, single submitter. Criteria: Invitae Variant Classification Sherloc (09022015). Collection method: clinical testing. Allele origin: germline.

Blueprint Genetics
Classification: Likely benign. Last evaluated: 2024-11-28. Review status: criteria provided, single submitter. Criteria: ACMG Guidelines, 2015. Collection method: clinical testing. Allele origin: germline.

Ambry Genetics
Classification: Benign for Inborn genetic diseases. Last evaluated: 2022-06-16. Review status: criteria provided, single submitter. Criteria: Ambry Variant Classification Scheme 2023. Collection method: clinical testing. Allele origin: germline.

Center for Pediatric Genomic Medicine, Children's Mercy Hospital and Clinics
Classification: Likely benign. Last evaluated: 2017-02-17. Review status: criteria provided, single submitter. Criteria: ACMG Guidelines, 2015. Collection method: clinical testing. Allele origin: germline.

PreventionGenetics, part of Exact Sciences
Classification: Benign for TAF1-related condition. Last evaluated: 2021-01-05. Review status: no assertion criteria provided. Collection method: clinical testing. Allele origin: germline. Not counted in ClinVar's aggregate classification.
Comment: This variant is classified as benign based on ACMG/AMP sequence variant interpretation guidelines (Richards et al. 2015 PMID: 25741868, with internal and published modifications).

NM_004606.5(TAF1):c.830AGG[3] (p.Glu278dup)

Gene: TAF1 (TATA-box binding protein associated factor 1; plus strand). Cytogenetic location: Xq13.1.
Variant type: Microsatellite.
Coding change: c.830AGG[3] on transcript NM_004606.5 (MANE Select); three copies in a row of the 3-base unit AGG starting at c.830; the reference has two copies in a row; one copy, 3 bases duplicated.
Protein change: p.Glu278dup; duplicates glutamic acid 278.
Molecular consequence: inframe insertion. On other transcripts: non-coding transcript variant (9).
Genome position (GRCh38, 1-based): chrX:71,377,721-71,377,723, AGG duplicated; duplicating any 3 consecutive bases within chrX:71,377,718-71,377,723 gives the same sequence; the position shown is the placement nearest the transcript's 3' end. VCF-style (leftmost placement, unchanged base first): chrX-71377717-C-CAGG. GRCh37 (hg19) VCF-style: chrX-70597567-C-CAGG.
Other names: c.893_895dupAGG (NM_004606.4, NM_004606.3, NM_001286074.1); c.830AGG[3], p.Glu278dup (NM_001286074.2); c.767AGG[3], p.Glu257dup (NM_138923.4).
Identifiers: ClinVar variation 445905 (VCV000445905.13), dbSNP rs773753966, ClinGen allele CA10446620.